The following is an entry in ClinVar:

ClinVar aggregate classification (germline): Conflicting classifications of pathogenicity. Review status: criteria provided, conflicting classifications (1 of 4 stars). 3 submissions from 3 submitters: Uncertain significance (1); Likely benign (2). Last evaluated 2026-01-09.

Conditions:
Inborn genetic diseases. Identifiers: MedGen C0950123, MeSH D030342.

Allele frequency attached by ClinVar (database versions not stated): gnomAD exomes 0.00014 and 0.00028; ExAC 0.00031; gnomAD 0.00092 and 0.00098; TOPMed 0.00137; ESP Exome Variant Server 0.00146; 1000 Genomes Project 30x 0.00156; 1000 Genomes Project 0.00160.
gnomAD v4.1: 339 of 1,614,162 alleles (0.021%); highest among the groups gnomAD compares: African/African-American, 0.35%; 1 homozygote.

Submissions (3):

Labcorp Genetics (formerly Invitae), Labcorp
Classification: Likely benign. Last evaluated: 2026-01-09. Review status: criteria provided, single submitter. Criteria: Invitae Variant Classification Sherloc (09022015). Collection method: clinical testing. Allele origin: germline.

GeneDx
Classification: Uncertain significance. Last evaluated: 2025-11-01. Review status: criteria provided, single submitter. Criteria: GeneDx Variant Classification Process June 2021. Collection method: clinical testing. Allele origin: germline. Affected: yes.
Comment: In silico analysis supports that this missense variant has a deleterious effect on protein structure/function; Has not been previously published as pathogenic or benign to our knowledge

Ambry Genetics
Classification: Likely benign for Inborn genetic diseases. Last evaluated: 2022-09-22. Review status: criteria provided, single submitter. Criteria: Ambry Variant Classification Scheme 2023. Collection method: clinical testing. Allele origin: germline.

NM_004341.5(CAD):c.3541C>T (p.Arg1181Trp)

Gene: CAD (carbamoyl-phosphate synthetase 2, aspartate transcarbamylase, and dihydroorotase; plus strand). Cytogenetic location: 2p23.3.
Variant type: single nucleotide variant.
Coding change: c.3541C>T on transcript NM_004341.5 (MANE Select); coding-DNA position 3541, C replaced by T.
Protein change: p.Arg1181Trp; replaces arginine 1181 with tryptophan.
Molecular consequence: missense variant.
Genome position (GRCh38, 1-based): chr2:27,234,149, C>T. VCF-style: chr2-27234149-C-T. GRCh37 (hg19) VCF-style: chr2-27457017-C-T.
Other names: c.3352C>T, p.Arg1118Trp (NM_001306079.2); short protein forms R1181W, R1118W.
Identifiers: ClinVar variation 711113 (VCV000711113.13), dbSNP rs145562987, ClinGen allele CA1573300.